The following is an entry in ClinVar:

NM_005188.4(CBL):c.650C>G (p.Ser217Cys)

Gene: CBL (Cbl proto-oncogene; plus strand). Cytogenetic location: 11q23.3.
Variant type: single nucleotide variant.
Coding change: c.650C>G on transcript NM_005188.4 (MANE Select); coding-DNA position 650, C replaced by G.
Protein change: p.Ser217Cys; replaces serine 217 with cysteine.
Molecular consequence: missense variant.
Genome position (GRCh38, 1-based): chr11:119,273,927, C>G. VCF-style: chr11-119273927-C-G. GRCh37 (hg19) VCF-style: chr11-119144637-C-G.
Other names: c.650C>G (NM_005188.2); short protein forms S217C.
Identifiers: ClinVar variation 2739668 (VCV002739668.4), dbSNP rs1414264462, ClinGen allele CA382909268.

ClinVar aggregate classification (germline): Uncertain significance. Review status: criteria provided, multiple submitters, no conflicts (2 of 4 stars). 2 submissions from 2 submitters: Uncertain significance (2). Last evaluated 2025-01-14.

Conditions:
Cardiovascular phenotype. Identifiers: MedGen CN230736.
RASopathy. Also called: Noonan spectrum disorder; rasopathies. Identifiers: Orphanet 536391, MedGen C5555857, MONDO:0021060.

Allele frequency attached by ClinVar (database versions not stated): gnomAD exomes 0.00001.
gnomAD v4.1: 6 of 1,613,998 alleles (0.00037%); highest among the groups gnomAD compares: East Asian, 0.013%; no homozygotes.

Submissions (2):

Ambry Genetics
Classification: Uncertain significance for Cardiovascular phenotype. Last evaluated: 2025-01-14. Review status: criteria provided, single submitter. Criteria: Ambry Variant Classification Scheme 2023. Collection method: clinical testing. Allele origin: germline.
Comment: The p.S217C variant (also known as c.650C>G), located in coding exon 4 of the CBL gene, results from a C to G substitution at nucleotide position 650. The serine at codon 217 is replaced by cysteine, an amino acid with dissimilar properties. This amino acid position is conserved. In addition, this alteration is predicted to be deleterious by in silico analysis. Based on the available evidence, the clinical significance of this variant remains unclear.

Labcorp Genetics (formerly Invitae), Labcorp
Classification: Uncertain significance for RASopathy. Last evaluated: 2023-06-19. Review status: criteria provided, single submitter. Criteria: Invitae Variant Classification Sherloc (09022015). Collection method: clinical testing. Allele origin: germline.
Comment: In summary, the available evidence is currently insufficient to determine the role of this variant in disease. Therefore, it has been classified as a Variant of Uncertain Significance. Advanced modeling of protein sequence and biophysical properties (such as structural, functional, and spatial information, amino acid conservation, physicochemical variation, residue mobility, and thermodynamic stability) has been performed at Invitae for this missense variant, however the output from this modeling did not meet the statistical confidence thresholds required to predict the impact of this variant on CBL protein function. This variant has not been reported in the literature in individuals affected with CBL-related conditions. This variant is present in population databases (no rsID available, gnomAD 0.006%). This sequence change replaces serine, which is neutral and polar, with cysteine, which is neutral and slightly polar, at codon 217 of the CBL protein (p.Ser217Cys).